The following is an entry in ClinVar:

NM_006517.5(SLC16A2):c.59A>G (p.Gln20Arg)

Gene: SLC16A2 (solute carrier family 16 member 2; plus strand). Cytogenetic location: Xq13.2.
Variant type: single nucleotide variant.
Coding change: c.59A>G on transcript NM_006517.5 (MANE Select); coding-DNA position 59, A replaced by G.
Protein change: p.Gln20Arg; replaces glutamine 20 with arginine.
Molecular consequence: missense variant.
Genome position (GRCh38, 1-based): chrX:74,421,696, A>G. VCF-style: chrX-74421696-A-G. GRCh37 (hg19) VCF-style: chrX-73641531-A-G.
Other names: short protein forms Q20R.
Identifiers: ClinVar variation 2803299 (VCV002803299.3), dbSNP rs1188921948, ClinGen allele CA413655687.

ClinVar aggregate classification (germline): Uncertain significance (1 of 4 stars; one submission).

Conditions:
Spastic paraplegia. Identifiers: MedGen C0037772, HP:0001258.

gnomAD v4.1: 2 of 1,190,544 alleles (0.00017%); highest among the groups gnomAD compares: Non-Finnish European, 0.00023%; no homozygotes.

Submission:

Labcorp Genetics (formerly Invitae), Labcorp
Classification: Uncertain significance for Spastic paraplegia. Last evaluated: 2023-10-09. Review status: criteria provided, single submitter. Criteria: Invitae Variant Classification Sherloc (09022015). Collection method: clinical testing. Allele origin: germline.
Comment: This sequence change replaces glutamine, which is neutral and polar, with arginine, which is basic and polar, at codon 20 of the SLC16A2 protein (p.Gln20Arg). The frequency data for this variant in the population databases is considered unreliable, as metrics indicate poor data quality at this position in the gnomAD database. This variant has not been reported in the literature in individuals affected with SLC16A2-related conditions. Advanced modeling of protein sequence and biophysical properties (such as structural, functional, and spatial information, amino acid conservation, physicochemical variation, residue mobility, and thermodynamic stability) performed at Invitae indicates that this missense variant is not expected to disrupt SLC16A2 protein function. In summary, the available evidence is currently insufficient to determine the role of this variant in disease. Therefore, it has been classified as a Variant of Uncertain Significance.